The following is an entry in ClinVar:

NM_000174.5(GP9):c.72T>G (p.Cys24Trp)

Gene: GP9 (glycoprotein IX platelet; plus strand). Cytogenetic location: 3q21.3.
Variant type: single nucleotide variant.
Coding change: c.72T>G on transcript NM_000174.5 (MANE Select); coding-DNA position 72, T replaced by G.
Protein change: p.Cys24Trp; replaces cysteine 24 with tryptophan.
Molecular consequence: missense variant.
Genome position (GRCh38, 1-based): chr3:129,061,811, T>G. VCF-style: chr3-129061811-T-G. GRCh37 (hg19) VCF-style: chr3-128780654-T-G.
Other names: NM_000174.5:c.72T>G; short protein forms C24W.
Identifiers: ClinVar variation 3775052 (VCV003775052.1).

ClinVar aggregate classification (germline): Uncertain significance (3 of 4 stars; one submission).

Conditions:
Bernard Soulier syndrome (BSS). Also called: GLYCOPROTEIN Ib, PLATELET, DEFICIENCY OF; PLATELET GLYCOPROTEIN Ib DEFICIENCY; VON WILLEBRAND FACTOR RECEPTOR DEFICIENCY; Giant platelet syndrome; Hemorrhagiparous thrombocytic dystrophy; Giant platelet disease. Identifiers: Orphanet 274, MedGen C0005129, MeSH D001606, MONDO:0009276, OMIM 231200.

Submission:

ClinGen Platelet Disorders Variant Curation Expert Panel, ClinGen
Classification: Uncertain significance for Bernard Soulier syndrome. Last evaluated: 2025-02-11. Review status: reviewed by expert panel. Criteria: ClinGen Platelet ACMG Specifications GP9 V1.0.0. Collection method: curation. Allele origin: germline. Inheritance: Autosomal recessive inheritance.
Comment: The NM_000174.5(GP9):c.72T>G (p.Cys24Trp) missense variant is absent from gnomAD v4.1 (PM2_Supporting). Another missense variant in the same codon has been reported in a patient with Bernard-Soulier syndrome [c.70T>C (p.Cys24Arg)] (PMID:21173099) and classified Likely Pathogenic by the PD-VCEP (PM5_supporting). At least one patient (Patient P7 in PMID:21173099) with this variant had less than 10% expression of GPIba and GP9 measured by flow cytometry, which is highly specific for Bernard-Soulier syndrome (PP4). Additionally, the patient had excessive mucocutaneous bleeding and macrothrombocytopenia which are consistent with Bernard-Soulier syndrome. In summary, this variant meets the criteria to be classified as uncertain significance for autosomal recessive Bernard-Soulier syndrome based on the ACMG/AMP criteria applied, as specified by the ClinGen PD VCEP: PM2_supporting, PM5_supporting, PP4, PM3_supporting, PP1.